The following is an entry in ClinVar:

ClinVar aggregate classification (germline): Uncertain significance (1 of 4 stars; one submission).

Submission:

Dasa
Classification: Uncertain significance. Last evaluated: 2025-03-03. Review status: criteria provided, single submitter. Criteria: DASA Assertion Criteria. Collection method: clinical testing. Allele origin: germline.
Comment: NM_006517.5(SLC16A2):c.1336C>A (p.Gln446Lys) is a missense variant that results in the substitution of glutamine with lysine. This variant is absent from population databases. The currently available literature and clinical evidence are not sufficient to establish a definitive association between this variant and the reported condition. Therefore, this variant is classified as a variant of uncertain significance.

NM_006517.5(SLC16A2):c.1336C>A (p.Gln446Lys)

Gene: SLC16A2 (solute carrier family 16 member 2; plus strand). Cytogenetic location: Xq13.2.
Variant type: single nucleotide variant.
Coding change: c.1336C>A on transcript NM_006517.5 (MANE Select); coding-DNA position 1336, C replaced by A.
Protein change: p.Gln446Lys; replaces glutamine 446 with lysine.
Molecular consequence: missense variant.
Genome position (GRCh38, 1-based): chrX:74,529,378, C>A. VCF-style: chrX-74529378-C-A. GRCh37 (hg19) VCF-style: chrX-73749213-C-A.
Other names: short protein forms Q446K.
Identifiers: ClinVar variation 5020987 (VCV005020987.1).